The following is an entry in ClinVar:

NC_000007.14:g.128774598C>T

Gene: OPN1SW (opsin 1, short wave sensitive; minus strand). Cytogenetic location: 7q32.1.
Variant type: single nucleotide variant.
Genome position: GRCh38 VCF-style: chr7-128774598-C-T. GRCh37 (hg19) VCF-style: chr7-128414652-C-T.
Other names: NM_001708.2:c.587G>A.
Identifiers: ClinVar variation 852855 (VCV000852855.11), dbSNP rs148243232, ClinGen allele CA4472902.

ClinVar aggregate classification (germline): Conflicting classifications of pathogenicity. Review status: criteria provided, conflicting classifications (1 of 4 stars). 2 submissions from 2 submitters: Uncertain significance (1); Likely benign (1). Last evaluated 2026-01-23.

Allele frequency attached by ClinVar (database versions not stated): ExAC 0.00019; gnomAD exomes 0.00019 and 0.00022; ESP Exome Variant Server 0.00023; gnomAD 0.00050 and 0.00051; 1000 Genomes Project 0.00060; 1000 Genomes Project 30x 0.00062; TOPMed 0.00116.

Submissions (2):

Labcorp Genetics (formerly Invitae), Labcorp
Classification: Uncertain significance. Last evaluated: 2026-01-23. Review status: criteria provided, single submitter. Criteria: Invitae Variant Classification Sherloc (09022015). Collection method: clinical testing. Allele origin: germline.
Comment: This sequence change replaces arginine, which is basic and polar, with histidine, which is basic and polar, at codon 196 of the OPN1SW protein (p.Arg196His). This variant is present in population databases (rs148243232, gnomAD 0.07%), and has an allele count higher than expected for a pathogenic variant. This variant has not been reported in the literature in individuals affected with OPN1SW-related conditions. ClinVar contains an entry for this variant (Variation ID: 852855). An algorithm developed to predict the effect of missense changes on protein structure and function outputs the following: PolyPhen-2: "Benign". The histidine amino acid residue is found in multiple mammalian species, which suggests that this missense change does not adversely affect protein function. In summary, the available evidence is currently insufficient to determine the role of this variant in disease. Therefore, it has been classified as a Variant of Uncertain Significance.

Blueprint Genetics
Classification: Likely benign. Last evaluated: 2024-11-22. Review status: criteria provided, single submitter. Criteria: ACMG Guidelines, 2015. Collection method: clinical testing. Allele origin: germline.